The following is an entry in ClinVar:

ClinVar aggregate classification (germline): Pathogenic (1 of 4 stars; one submission).

Submission:

GeneDx
Classification: Pathogenic. Last evaluated: 2017-08-14. Review status: criteria provided, single submitter. Criteria: GeneDx Variant Classification (06012015). Collection method: clinical testing. Allele origin: germline. Affected: yes.
Comment: The c.6650_6652delTCC (F2217X) variant has not been published as a pathogenic variant, nor has it been reported as a benign variant to our knowledge. The nonsense variant is predicted to cause loss of normal protein function either through protein truncation or nonsense-mediated mRNA decay. The variant is not observed in large population cohorts (Lek et al., 2016; 1000 Genomes Consortium et al., 2015; Exome Variant Server). In summary, we consider this variant to be pathogenic.

NM_001042492.3(NF1):c.6713_6715del (p.Phe2238_Gln2239delinsTer)

Gene: NF1 (neurofibromin 1; plus strand). Cytogenetic location: 17q11.2.
Variant type: Deletion.
Coding change: c.6713_6715del on transcript NM_001042492.3 (MANE Select); coding-DNA positions 6713 to 6715, 3 bases deleted (TCC; older notation c.6713_6715delTCC).
Protein change: p.Phe2238_Gln2239delinsTer.
Molecular consequence: nonsense.
Genome position (GRCh38, 1-based): chr17:31,338,033-31,338,035, TCC deleted. VCF-style (leftmost placement, unchanged base first): chr17-31338032-TTCC-T. GRCh37 (hg19) VCF-style: chr17-29665050-TTCC-T.
Other names: c.6650_6652delTCC, p.Phe2217_Ala2552delinsTer (NM_000267.4); c.6650_6652delTCC (NM_000267.3).
Identifiers: ClinVar variation 451371 (VCV000451371.2), dbSNP rs1555534948, ClinGen allele CA658658589.